The following is an entry in ClinVar:

NM_016169.4(SUFU):c.1001G>T (p.Gly334Val)

Gene: SUFU (SUFU negative regulator of hedgehog signaling; plus strand). Cytogenetic location: 10q24.32.
Variant type: single nucleotide variant.
Coding change: c.1001G>T on transcript NM_016169.4 (MANE Select); coding-DNA position 1001, G replaced by T.
Protein change: p.Gly334Val; replaces glycine 334 with valine.
Molecular consequence: missense variant.
Genome position (GRCh38, 1-based): chr10:102,599,523, G>T. VCF-style: chr10-102599523-G-T. GRCh37 (hg19) VCF-style: chr10-104359280-G-T.
Other names: c.1001G>T, p.Gly334Val (NM_001178133.2); short protein forms G334V.
Identifiers: ClinVar variation 1769725 (VCV001769725.2), dbSNP rs1295694684, ClinGen allele CA377911176.

ClinVar aggregate classification (germline): Uncertain significance (1 of 4 stars; one submission).

Conditions:
Hereditary cancer-predisposing syndrome. Also called: Hereditary Cancer Syndrome; Hereditary neoplastic syndrome; Neoplastic Syndromes, Hereditary; Tumor predisposition. Identifiers: Orphanet 140162, MedGen C0027672, MeSH D009386, MONDO:0015356.

Submission:

Ambry Genetics
Classification: Uncertain significance for Hereditary cancer-predisposing syndrome. Last evaluated: 2022-09-25. Review status: criteria provided, single submitter. Criteria: Ambry Variant Classification Scheme 2023. Collection method: clinical testing. Allele origin: germline.
Comment: The p.G334V variant (also known as c.1001G>T), located in coding exon 8 of the SUFU gene, results from a G to T substitution at nucleotide position 1001. The glycine at codon 334 is replaced by valine, an amino acid with dissimilar properties. This amino acid position is conserved. In addition, the in silico prediction for this alteration is inconclusive. Since supporting evidence is limited at this time, the clinical significance of this alteration remains unclear.